The following is an entry in ClinVar:

ClinVar aggregate classification (germline): Conflicting classifications of pathogenicity. Review status: criteria provided, conflicting classifications (1 of 4 stars). 8 submissions from 8 submitters: Uncertain significance (3); Benign (1); Likely benign (3). 1 of the submissions does not count toward it. Last evaluated 2026-01-19.

Conditions:
Thrombocythemia 3 (THCYT3). Also called: THROMBOCYTHEMIA 3, SOMATIC; THROMBOCYTOSIS 3. Identifiers: MedGen C3281125, MONDO:0013794, OMIM 614521.

Allele frequency attached by ClinVar (database versions not stated): 1000 Genomes Project 0.00060; 1000 Genomes Project 30x 0.00062; ExAC 0.00193; gnomAD exomes 0.00198 and 0.00341; gnomAD 0.00207 and 0.00218; ESP Exome Variant Server 0.00246; TOPMed 0.00246.
gnomAD v4.1: 5,282 of 1,610,826 alleles (0.33%); highest among the groups gnomAD compares: Non-Finnish European, 0.4%; 8 homozygotes.

Submissions (8):

Labcorp Genetics (formerly Invitae), Labcorp
Classification: Likely benign. Last evaluated: 2026-01-19. Review status: criteria provided, single submitter. Criteria: Invitae Variant Classification Sherloc (09022015). Collection method: clinical testing. Allele origin: germline.

CeGaT Center for Human Genetics Tuebingen
Classification: Likely benign. Last evaluated: 2025-12-01. Review status: criteria provided, single submitter. Criteria: CeGaT Center For Human Genetics Tuebingen Variant Classification Criteria Version 2. Collection method: clinical testing. Allele origin: germline. Affected: yes. Observed: 3 variant alleles.
Comment: JAK2: BP4, BS1

Blueprint Genetics
Classification: Likely benign. Last evaluated: 2024-11-15. Review status: criteria provided, single submitter. Criteria: ACMG Guidelines, 2015. Collection method: clinical testing. Allele origin: germline.

Mayo Clinic Laboratories, Mayo Clinic
Classification: Uncertain significance. Last evaluated: 2024-07-12. Review status: criteria provided, single submitter. Criteria: ACMG Guidelines, 2015. Collection method: clinical testing. Allele origin: germline. Observed: 43 variant alleles.

ARUP Laboratories, Molecular Genetics and Genomics, ARUP Laboratories
Classification: Uncertain significance. Last evaluated: 2024-05-14. Review status: criteria provided, single submitter. Criteria: ARUP Molecular Germline Variant Investigation Process 2024. Collection method: clinical testing. Allele origin: germline.

Genetic Services Laboratory, University of Chicago
Classification: Benign. Last evaluated: 2021-05-27. Review status: criteria provided, single submitter. Criteria: ACMG Guidelines, 2015. Collection method: clinical testing. Allele origin: germline. Affected: no.

Johns Hopkins Genomics, Johns Hopkins University
Classification: Uncertain significance for Thrombocythemia 3. Last evaluated: 2020-02-10. Review status: criteria provided, single submitter. Criteria: ACMG Guidelines, 2015. Collection method: clinical testing. Allele origin: germline.
Comment: This JAK2 variant (rs142269166) is present in a large population datasets (gnomAD: 552/281382 total alleles; 0.1962%; no homozygotes), but believed to be overrepresented in patients with myeloproliferative neoplasms. Bioinformatic tools queried predict that the substitution would be tolerated, but these algorithms have low specificity, especially for predicting gain of function variants. Due to lack of segregation and functional data, we consider the clinical significance of c.3323A>G to be uncertain at this time.

ITMI
No classification provided. Condition: AllHighlyPenetrant. Last evaluated: 2013-09-19. Review status: no classification provided. Collection method: reference population. Allele origin: germline. Not counted in ClinVar's aggregate classification.
Comment: Please see associated publication for description of ethnicities

Literature cited by the submitters: PubMed 36870884 (cited by Mayo Clinic Laboratories, Mayo Clinic); PubMed 37246471 (cited by Mayo Clinic Laboratories, Mayo Clinic); PubMed 38468832 (cited by Mayo Clinic Laboratories, Mayo Clinic); PubMed 30811597 (cited by Johns Hopkins Genomics, Johns Hopkins University); PubMed 24728327 (cited by ITMI).

NM_004972.4(JAK2):c.3323A>G (p.Asn1108Ser)

Genes: INSL6 (insulin like 6; minus strand), JAK2 (Janus kinase 2; plus strand). Cytogenetic location: 9p24.1.
Variant type: single nucleotide variant.
Coding change: c.3323A>G on transcript NM_004972.4 (MANE Select); coding-DNA position 3323, A replaced by G.
Protein change: p.Asn1108Ser; replaces asparagine 1108 with serine.
Molecular consequence: missense variant. On other transcripts: non-coding transcript variant (2).
Genome position (GRCh38, 1-based): chr9:5,126,715, A>G. VCF-style: chr9-5126715-A-G. GRCh37 (hg19) VCF-style: chr9-5126715-A-G.
Other names: p.Asn1108Ser; c.3323A>G, p.Asn1108Ser (NM_001322194.2, NM_001322195.2, NM_001322196.2); c.2108A>G, p.Asn703Ser (NM_001322198.2, NM_001322199.2); c.2876A>G, p.Asn959Ser (NM_001322204.2); short protein forms N1108S, N959S, N703S.
Identifiers: ClinVar variation 134557 (VCV000134557.39), dbSNP rs142269166, ClinGen allele CA160177.